The following is an entry in ClinVar:

ClinVar aggregate classification (germline): Uncertain significance (1 of 4 stars; one submission).

Submission:

Labcorp Genetics (formerly Invitae), Labcorp
Classification: Uncertain significance. Last evaluated: 2022-01-26. Review status: criteria provided, single submitter. Criteria: Invitae Variant Classification Sherloc (09022015). Collection method: clinical testing. Allele origin: germline.
Comment: In summary, the available evidence is currently insufficient to determine the role of this variant in disease. Therefore, it has been classified as a Variant of Uncertain Significance. Algorithms developed to predict the effect of missense changes on protein structure and function are either unavailable or do not agree on the potential impact of this missense change (SIFT: "Deleterious"; PolyPhen-2: "Not Available"; Align-GVGD: "Class C0"). This variant has not been reported in the literature in individuals affected with ERCC6L2-related conditions. This variant is not present in population databases (gnomAD no frequency). This sequence change replaces leucine, which is neutral and non-polar, with histidine, which is basic and polar, at codon 622 of the ERCC6L2 protein (p.Leu622His).

NM_020207.7(ERCC6L2):c.1832T>A (p.Leu611His)

Gene: ERCC6L2 (ERCC excision repair 6 like 2; plus strand). Cytogenetic location: 9q22.32.
Variant type: single nucleotide variant.
Coding change: c.1832T>A on transcript NM_020207.7 (MANE Select); coding-DNA position 1832, T replaced by A.
Protein change: p.Leu611His; replaces leucine 611 with histidine.
Molecular consequence: missense variant. On other transcripts: non-coding transcript variant (1).
Genome position (GRCh38, 1-based): chr9:95,941,534, T>A. VCF-style: chr9-95941534-T-A. GRCh37 (hg19) VCF-style: chr9-98703816-T-A.
Other names: c.1832T>A, p.Leu611His (NM_001010895.4, NM_001375291.1, NM_001375292.1 and 2 more transcripts); short protein forms L611H.
Identifiers: ClinVar variation 2089678 (VCV002089678.4), dbSNP rs2490312199, ClinGen allele CA374119154.
Genomic context (GRCh38, chr9:95,941,534, plus strand): 5'-ATTTTGTCGGTGCCAATGTTGTTGTATTATTTGATCCTACTTGGAATCCAGCCAATGATC[T>A]TCAAGCCATTGACAGGTATAATACTGACAAAATTTAAAGTGATCTGCAAATACTTTTAAT-3'
Protein context (NP_064592.3, residues 601-621): FDPTWNPAND[Leu611His]QAIDRAYRIG